The following is an entry in ClinVar:

NM_007294.4(BRCA1):c.4879G>T (p.Ala1627Ser)

Gene: BRCA1 (BRCA1 DNA repair associated; minus strand). Cytogenetic location: 17q21.31.
Variant type: single nucleotide variant.
Coding change: c.4879G>T on transcript NM_007294.4 (MANE Select); coding-DNA position 4879, G replaced by T.
Protein change: p.Ala1627Ser; replaces alanine 1627 with serine.
Molecular consequence: missense variant. On other transcripts: non-coding transcript variant (1).
Genome position (GRCh38, 1-based): chr17:43,071,035, C>A on the plus strand (G>T on the coding strand, the complement: BRCA1 is on the minus strand). VCF-style: chr17-43071035-C-A. GRCh37 (hg19) VCF-style: chr17-41223052-C-A.
Other names: c.4666G>T, p.Ala1556Ser (NM_001407571.1, NM_001407894.1, NM_001407895.1 and 12 more transcripts); c.4945G>T, p.Ala1649Ser (NM_001407581.1, NM_001407582.1); c.4942G>T, p.Ala1648Ser (NM_001407583.1, NM_001407585.1, NM_001407587.1 and 1 more transcripts); c.4939G>T, p.Ala1647Ser (NM_001407590.1, NM_001407591.1); c.4879G>T, p.Ala1627Ser (NM_001407593.1, NM_001407594.1, NM_001407596.1 and 8 more transcripts); c.4876G>T, p.Ala1626Ser (NM_001407610.1, NM_001407611.1, NM_001407612.1 and 17 more transcripts); c.4873G>T, p.Ala1625Ser (NM_001407627.1, NM_001407628.1, NM_001407629.1 and 14 more transcripts); c.4870G>T, p.Ala1624Ser (NM_001407644.1, NM_001407645.1); and 70 more; short protein forms A1580S, A523S, A1627S, A1648S, A1500S, A1514S, A1516S, A1555S.
Identifiers: ClinVar variation 851676 (VCV000851676.12), dbSNP rs774505084, ClinGen allele CA10591768.

ClinVar aggregate classification (germline): Uncertain significance. Review status: criteria provided, multiple submitters, no conflicts (2 of 4 stars). 2 submissions from 2 submitters: Uncertain significance (2). Last evaluated 2019-05-31.

Conditions:
Hereditary breast ovarian cancer syndrome. Also called: Hereditary breast and ovarian cancer syndrome; Breast and ovarian cancer; Hereditary breast and/or ovarian cancer syndrome; Hereditary breast and ovarian cancer; BRCA1- and BRCA2-Associated Hereditary Breast and Ovarian Cancer; Hereditary breast and ovarian cancer syndrome (HBOC). Identifiers: Orphanet 145, MedGen C0677776, MeSH D061325, MONDO:0003582. Disease mechanism: loss of function.

Submissions (2):

GeneDx
Classification: Uncertain significance. Last evaluated: 2019-05-31. Review status: criteria provided, single submitter. Criteria: GeneDx Variant Classification Process June 2021. Collection method: clinical testing. Allele origin: germline. Affected: yes.
Comment: Not observed in large population cohorts (Lek et al., 2016); Has not been previously published as pathogenic or benign to our knowledge

Labcorp Genetics (formerly Invitae), Labcorp
Classification: Uncertain significance for Hereditary breast ovarian cancer syndrome. Last evaluated: 2019-05-08. Review status: criteria provided, single submitter. Criteria: Invitae Variant Classification Sherloc (09022015). Collection method: clinical testing. Allele origin: germline.
Comment: In summary, the available evidence is currently insufficient to determine the role of this variant in disease. Therefore, it has been classified as a Variant of Uncertain Significance. Algorithms developed to predict the effect of missense changes on protein structure and function output the following: SIFT: "Tolerated"; PolyPhen-2: "Benign"; Align-GVGD: "Class C0". The serine amino acid residue is found in multiple mammalian species, suggesting that this missense change does not adversely affect protein function. These predictions have not been confirmed by published functional studies and their clinical significance is uncertain. This variant has not been reported in the literature in individuals with BRCA1-related conditions. This variant is not present in population databases (ExAC no frequency). This sequence change replaces alanine with serine at codon 1627 of the BRCA1 protein (p.Ala1627Ser). The alanine residue is weakly conserved and there is a moderate physicochemical difference between alanine and serine.